The following is an entry in ClinVar:

NM_006415.4(SPTLC1):c.888+3A>G

Gene: SPTLC1 (serine palmitoyltransferase long chain base subunit 1; minus strand). Cytogenetic location: 9q22.31.
Variant type: single nucleotide variant.
Coding change: c.888+3A>G on transcript NM_006415.4 (MANE Select); 3 bases into the intron after coding-DNA position 888, A replaced by G.
Molecular consequence: intron variant.
Genome position (GRCh38, 1-based): chr9:92,049,957, T>C on the plus strand (A>G on the coding strand, the complement: SPTLC1 is on the minus strand). VCF-style: chr9-92049957-T-C. GRCh37 (hg19) VCF-style: chr9-94812239-T-C.
Other names: c.888+3A>G (NM_001281303.2); c.522+3A>G (NM_001368272.1); c.423+3A>G (NM_001368273.1).
Identifiers: ClinVar variation 1401110 (VCV001401110.6), dbSNP rs367646576, ClinGen allele CA5121412.

ClinVar aggregate classification (germline): Uncertain significance (1 of 4 stars; one submission).

Conditions:
Hereditary sensory and autonomic neuropathy type 1 (HSAN1). Also called: HSAN 1; HSN Type I; Hereditary Sensory Neuropathy Type I. Identifiers: Orphanet 36386, MedGen C0020071, MONDO:0018213.

Allele frequency attached by ClinVar (database versions not stated): ExAC 0.00002; gnomAD 0.00010; gnomAD exomes 0.00001 and 0.00002; TOPMed 0.00011; ESP Exome Variant Server 0.00008.
gnomAD v4.1: 25 of 1,592,652 alleles (0.0016%); highest among the groups gnomAD compares: African/African-American, 0.03%; no homozygotes.

Submission:

Labcorp Genetics (formerly Invitae), Labcorp
Classification: Uncertain significance for Hereditary sensory and autonomic neuropathy type 1. Last evaluated: 2022-12-18. Review status: criteria provided, single submitter. Criteria: Invitae Variant Classification Sherloc (09022015). Collection method: clinical testing. Allele origin: germline.
Comment: This sequence change falls in intron 9 of the SPTLC1 gene. It does not directly change the encoded amino acid sequence of the SPTLC1 protein. It affects a nucleotide within the consensus splice site. This variant is present in population databases (rs367646576, gnomAD 0.03%). This variant has not been reported in the literature in individuals affected with SPTLC1-related conditions. ClinVar contains an entry for this variant (Variation ID: 1401110). Variants that disrupt the consensus splice site are a relatively common cause of aberrant splicing (PMID: 17576681, 9536098). Algorithms developed to predict the effect of sequence changes on RNA splicing suggest that this variant may disrupt the consensus splice site. In summary, the available evidence is currently insufficient to determine the role of this variant in disease. Therefore, it has been classified as a Variant of Uncertain Significance.

Literature cited by the submitters: PubMed 17576681; PubMed 9536098.